The following is an entry in ClinVar:

NM_022095.4(ZNF335):c.2035G>A (p.Ala679Thr)

Gene: ZNF335 (zinc finger protein 335; minus strand). Cytogenetic location: 20q13.12.
Variant type: single nucleotide variant.
Coding change: c.2035G>A on transcript NM_022095.4 (MANE Select); coding-DNA position 2035, G replaced by A.
Protein change: p.Ala679Thr; replaces alanine 679 with threonine.
Molecular consequence: missense variant.
Genome position (GRCh38, 1-based): chr20:45,959,419, C>T on the plus strand (G>A on the coding strand, the complement: ZNF335 is on the minus strand). VCF-style: chr20-45959419-C-T. GRCh37 (hg19) VCF-style: chr20-44588058-C-T.
Other names: c.2035G>A (NM_022095.3); short protein forms A679T.
Identifiers: ClinVar variation 2193554 (VCV002193554.5), dbSNP rs776480511, ClinGen allele CA9885496.

ClinVar aggregate classification (germline): Uncertain significance. Review status: criteria provided, multiple submitters, no conflicts (2 of 4 stars). 2 submissions from 2 submitters: Uncertain significance (2). Last evaluated 2025-09-02.

Conditions:
Inborn genetic diseases. Identifiers: MedGen C0950123, MeSH D030342.

Allele frequency attached by ClinVar (database versions not stated): gnomAD 0.00001; gnomAD exomes 0.00001; ExAC 0.00004.
gnomAD v4.1: 22 of 1,477,196 alleles (0.0015%); highest among the groups gnomAD compares: Admixed American, 0.025%; no homozygotes.

Submissions (2):

Labcorp Genetics (formerly Invitae), Labcorp
Classification: Uncertain significance. Last evaluated: 2025-09-02. Review status: criteria provided, single submitter. Criteria: Invitae Variant Classification Sherloc (09022015). Collection method: clinical testing. Allele origin: germline.
Comment: This sequence change replaces alanine, which is neutral and non-polar, with threonine, which is neutral and polar, at codon 679 of the ZNF335 protein (p.Ala679Thr). This variant is present in population databases (rs776480511, gnomAD 0.03%). This variant has not been reported in the literature in individuals affected with ZNF335-related conditions. ClinVar contains an entry for this variant (Variation ID: 2193554). Invitae Evidence Modeling of protein sequence and biophysical properties (such as structural, functional, and spatial information, amino acid conservation, physicochemical variation, residue mobility, and thermodynamic stability) indicates that this missense variant is not expected to disrupt ZNF335 protein function with a negative predictive value of 80%. In summary, the available evidence is currently insufficient to determine the role of this variant in disease. Therefore, it has been classified as a Variant of Uncertain Significance.

Ambry Genetics
Classification: Uncertain significance for Inborn genetic diseases. Last evaluated: 2024-10-12. Review status: criteria provided, single submitter. Criteria: Ambry Variant Classification Scheme 2023. Collection method: clinical testing. Allele origin: germline.